The following is an entry in ClinVar:

ClinVar aggregate classification (germline): Uncertain significance (1 of 4 stars; one submission).

Conditions:
Familial temporal lobe epilepsy 7. Identifiers: Orphanet 101046, MedGen C4225327, MONDO:0014639, OMIM 616436.
Norman-Roberts syndrome (LIS2). Also called: Lissencephaly 2 (Norman-Roberts type). Identifiers: Orphanet 89844, MedGen C0796089, MONDO:0009760, OMIM 257320.

Submission:

Labcorp Genetics (formerly Invitae), Labcorp
Classification: Uncertain significance for Familial temporal lobe epilepsy 7; Norman-Roberts syndrome. Last evaluated: 2022-10-13. Review status: criteria provided, single submitter. Criteria: Invitae Variant Classification Sherloc (09022015). Collection method: clinical testing. Allele origin: germline.
Comment: This variant is not present in population databases (gnomAD no frequency). This sequence change replaces proline, which is neutral and non-polar, with leucine, which is neutral and non-polar, at codon 1399 of the RELN protein (p.Pro1399Leu). This variant has not been reported in the literature in individuals affected with RELN-related conditions. In summary, the available evidence is currently insufficient to determine the role of this variant in disease. Therefore, it has been classified as a Variant of Uncertain Significance. Advanced modeling of protein sequence and biophysical properties (such as structural, functional, and spatial information, amino acid conservation, physicochemical variation, residue mobility, and thermodynamic stability) performed at Invitae indicates that this missense variant is not expected to disrupt RELN protein function.

NM_005045.4(RELN):c.4196C>T (p.Pro1399Leu)

Gene: RELN (reelin; minus strand). Cytogenetic location: 7q22.1.
Variant type: single nucleotide variant.
Coding change: c.4196C>T on transcript NM_005045.4 (MANE Select); coding-DNA position 4196, C replaced by T.
Protein change: p.Pro1399Leu; replaces proline 1399 with leucine.
Molecular consequence: missense variant.
Genome position (GRCh38, 1-based): chr7:103,575,655, G>A on the plus strand (C>T on the coding strand, the complement: RELN is on the minus strand). VCF-style: chr7-103575655-G-A. GRCh37 (hg19) VCF-style: chr7-103216102-G-A.
Other names: c.4196C>T, p.Pro1399Leu (NM_173054.3); short protein forms P1399L.
Identifiers: ClinVar variation 1904408 (VCV001904408.5), dbSNP rs2484757809, ClinGen allele CA368752459.